The following is an entry in ClinVar:

ClinVar aggregate classification (germline): Uncertain significance (1 of 4 stars; one submission).

Conditions:
DOCK2 deficiency. Also called: Immunodeficiency 40. Identifiers: Orphanet 447737, MedGen C4225328, MONDO:0014637, OMIM 616433.

gnomAD v4.1: 154 of 1,613,954 alleles (0.0095%); highest among the groups gnomAD compares: Middle Eastern, 0.049%; no homozygotes.

Submission:

Labcorp Genetics (formerly Invitae), Labcorp
Classification: Uncertain significance for DOCK2 deficiency. Last evaluated: 2022-07-06. Review status: criteria provided, single submitter. Criteria: Invitae Variant Classification Sherloc (09022015). Collection method: clinical testing. Allele origin: germline.
Comment: This sequence change replaces proline, which is neutral and non-polar, with leucine, which is neutral and non-polar, at codon 1676 of the DOCK2 protein (p.Pro1676Leu). This variant is present in population databases (rs150108225, gnomAD 0.006%). This variant has not been reported in the literature in individuals affected with DOCK2-related conditions. Algorithms developed to predict the effect of missense changes on protein structure and function output the following: SIFT: "Tolerated"; PolyPhen-2: "Benign"; Align-GVGD: "Class C0". The leucine amino acid residue is found in multiple mammalian species, which suggests that this missense change does not adversely affect protein function. In summary, the available evidence is currently insufficient to determine the role of this variant in disease. Therefore, it has been classified as a Variant of Uncertain Significance.

NM_004946.3(DOCK2):c.5027C>T (p.Pro1676Leu)

Gene: DOCK2 (dedicator of cytokinesis 2; plus strand). Cytogenetic location: 5q35.1.
Variant type: single nucleotide variant.
Coding change: c.5027C>T on transcript NM_004946.3 (MANE Select); coding-DNA position 5027, C replaced by T.
Protein change: p.Pro1676Leu; replaces proline 1676 with leucine.
Molecular consequence: missense variant. On other transcripts: non-coding transcript variant (1).
Genome position (GRCh38, 1-based): chr5:170,079,007, C>T. VCF-style: chr5-170079007-C-T. GRCh37 (hg19) VCF-style: chr5-169506011-C-T.
Other names: short protein forms P1676L.
Identifiers: ClinVar variation 2077793 (VCV002077793.1), dbSNP rs150108225, ClinGen allele CA3554749.